The following is an entry in ClinVar:

ClinVar aggregate classification (germline): Uncertain significance (1 of 4 stars; one submission).

Submission:

GeneDx
Classification: Uncertain significance. Last evaluated: 2022-12-19. Review status: criteria provided, single submitter. Criteria: GeneDx Variant Classification Process June 2021. Collection method: clinical testing. Allele origin: germline. Affected: yes.
Comment: Not observed at significant frequency in large population cohorts (gnomAD); In silico analysis supports that this missense variant has a deleterious effect on protein structure/function; Has not been previously published as pathogenic or benign to our knowledge

NM_001278116.2(L1CAM):c.2209C>G (p.Pro737Ala)

Gene: L1CAM (L1 cell adhesion molecule; minus strand). Cytogenetic location: Xq28.
Variant type: single nucleotide variant.
Coding change: c.2209C>G on transcript NM_001278116.2 (MANE Select); coding-DNA position 2209, C replaced by G.
Protein change: p.Pro737Ala; replaces proline 737 with alanine.
Molecular consequence: missense variant.
Genome position (GRCh38, 1-based): chrX:153,866,871, G>C on the plus strand (C>G on the coding strand, the complement: L1CAM is on the minus strand). VCF-style: chrX-153866871-G-C. GRCh37 (hg19) VCF-style: chrX-153132326-G-C.
Other names: c.2209C>G, p.Pro737Ala (NM_000425.5, NM_024003.3); c.2194C>G, p.Pro732Ala (NM_001143963.2); short protein forms P732A, P737A.
Identifiers: ClinVar variation 2505646 (VCV002505646.1), dbSNP rs1557091103, ClinGen allele CA415120917.